The following is an entry in ClinVar:

ClinVar aggregate classification (germline): Uncertain significance (1 of 4 stars; one submission).

Submission:

Ambry Genetics
Classification: Uncertain significance. Last evaluated: 2024-12-08. Review status: criteria provided, single submitter. Criteria: Ambry Variant Classification Scheme 2023. Collection method: clinical testing. Allele origin: germline.
Comment: The p.T124P variant (also known as c.370A>C), located in coding exon 1 of the MC1R gene, results from an A to C substitution at nucleotide position 370. The threonine at codon 124 is replaced by proline, an amino acid with highly similar properties. This amino acid position is conserved. In addition, this alteration is predicted to be tolerated by in silico analysis. Based on the available evidence, the clinical significance of this variant remains unclear.

NM_002386.4(MC1R):c.370A>C (p.Thr124Pro)

Gene: MC1R (melanocortin 1 receptor; plus strand). Cytogenetic location: 16q24.3.
Variant type: single nucleotide variant.
Coding change: c.370A>C on transcript NM_002386.4 (MANE Select); coding-DNA position 370, A replaced by C.
Protein change: p.Thr124Pro; replaces threonine 124 with proline.
Molecular consequence: missense variant.
Genome position (GRCh38, 1-based): chr16:89,919,628, A>C. VCF-style: chr16-89919628-A-C. GRCh37 (hg19) VCF-style: chr16-89986036-A-C.
Other names: short protein forms T124P.
Identifiers: ClinVar variation 3543998 (VCV003543998.1).